The following is an entry in ClinVar:

NM_001387430.1(SH2B1):c.1561C>T (p.Pro521Ser)

Gene: SH2B1 (SH2B adaptor protein 1; plus strand). Cytogenetic location: 16p11.2.
Variant type: single nucleotide variant.
Coding change: c.1561C>T on transcript NM_001387430.1 (MANE Select); coding-DNA position 1561, C replaced by T.
Protein change: p.Pro521Ser; replaces proline 521 with serine.
Molecular consequence: missense variant.
Genome position (GRCh38, 1-based): chr16:28,872,237, C>T. VCF-style: chr16-28872237-C-T. GRCh37 (hg19) VCF-style: chr16-28883558-C-T.
Other names: c.1561C>T, p.Pro521Ser (NM_001145795.2, NM_001145796.2, NM_001145797.2 and 4 more transcripts); c.553C>T, p.Pro185Ser (NM_001308294.2); short protein forms P185S, P521S.
Identifiers: ClinVar variation 4798623 (VCV004798623.1).
Genomic context (GRCh38, chr16:28,872,237, plus strand): 5'-CTCCTTCCTGAAGGGTCCTTCCTGTTCCAGGGGGAGCCAGAGGGCGGTGAGGGGGACCAG[C>T]CCCTCTCAGGGTATCCTTGGTTCCACGGGATGCTCTCTCGGCTCAAGGCTGCACAGTTGG-3'
Protein context (NP_001374359.1, residues 511-531): GEPEGGEGDQ[Pro521Ser]LSGYPWFHGM

ClinVar aggregate classification (germline): Uncertain significance (1 of 4 stars; one submission).

Submission:

Labcorp Genetics (formerly Invitae), Labcorp
Classification: Uncertain significance. Last evaluated: 2025-11-03. Review status: criteria provided, single submitter. Criteria: Invitae Variant Classification Sherloc (09022015). Collection method: clinical testing. Allele origin: germline.
Comment: This sequence change replaces proline, which is neutral and non-polar, with serine, which is neutral and polar, at codon 521 of the SH2B1 protein (p.Pro521Ser). This variant is not present in population databases (gnomAD no frequency). This variant has not been reported in the literature in individuals affected with SH2B1-related conditions. An algorithm developed to predict the effect of missense changes on protein structure and function (PolyPhen-2) suggests that this variant is likely to be disruptive. In summary, the available evidence is currently insufficient to determine the role of this variant in disease. Therefore, it has been classified as a Variant of Uncertain Significance.